The following is an entry in ClinVar:

ClinVar aggregate classification (germline): Uncertain significance. Review status: criteria provided, multiple submitters, no conflicts (2 of 4 stars). 9 submissions from 9 submitters: Uncertain significance (8). 1 of the submissions does not count toward it. Last evaluated 2025-12-17.

Conditions:
Cardiovascular phenotype. Identifiers: MedGen CN230736.
Arrhythmogenic right ventricular dysplasia 10. Also called: Arrhythmogenic Right Ventricular Dysplasia/Cardiomyopathy10; ARRHYTHMOGENIC RIGHT VENTRICULAR DYSPLASIA, FAMILIAL, 10; Arrhythmogenic right ventricular dysplasia/cardiomyopathy, type 10. Identifiers: MedGen C1857777, MONDO:0012434, OMIM 610193.
Dilated cardiomyopathy 1BB (CMD1BB). Also called: CARDIOMYOPATHY, DILATED, 1BB, SUSCEPTIBILITY TO. Identifiers: Orphanet 154, MedGen C2752072, MONDO:0013030, OMIM 612877.
Cardiomyopathy (CMYO). Also called: Cardiomyopathies. Identifiers: Orphanet 167848, MedGen C0878544, MONDO:0004994, HP:0001638. Inheritance: Various modes of inheritance.
Arrhythmogenic right ventricular cardiomyopathy (ARVD). Also called: Arrhythmogenic right ventricular dysplasia; Arrhythmogenic cardiomyopathy; Arrhythmogenic Right Ventricular Cardiomyopathy (ARVC); Cardiomyopathy, ARVC. Identifiers: Orphanet 247, MedGen C0349788, MeSH D019571, MONDO:0016587. Disease mechanism: loss of function. Inheritance: Various modes of inheritance.

Allele frequency attached by ClinVar (database versions not stated): gnomAD 0.00001; TOPMed 0.00001.
gnomAD v4.1: 16 of 1,614,070 alleles (0.00099%); highest among the groups gnomAD compares: African/African-American, 0.0013%; no homozygotes.

Submissions (9):

Ambry Genetics
Classification: Uncertain significance for Cardiovascular phenotype. Last evaluated: 2025-12-17. Review status: criteria provided, single submitter. Criteria: Ambry Variant Classification Scheme 2023. Collection method: clinical testing. Allele origin: germline.
Comment: The p.C507Y variant (also known as c.1520G>A), located in coding exon 11 of the DSG2 gene, results from a G to A substitution at nucleotide position 1520. The cysteine at codon 507 is replaced by tyrosine, an amino acid with highly dissimilar properties. This variant has been detected in an individual reported to have arrhythmogenic right ventricular cardiomyopathy (ARVC) and in cases referred for ARVC genetic testing (Awad MM et al. Am. J. Hum. Genet., 2006 Jul;79:136-42 (reported as C506Y); Marschall C et al. Cardiovasc Diagn Ther. 2019 Oct;9(Suppl 2):S292-S298). This variant has also been detected in several individuals from exome sequencing cohorts who were not know to have ARVC (Haggerty CM et al. Genet. Med., 2017 11;19:1245-1252; van Rooij J et al. Genet Med. 2020 11;22(11):1812-1820). This amino acid position is highly conserved in available vertebrate species. In addition, this alteration is predicted to be deleterious by in silico analysis. Since supporting evidence is limited at this time, the clinical significance of this alteration remains unclear.

Labcorp Genetics (formerly Invitae), Labcorp
Classification: Uncertain significance for Arrhythmogenic right ventricular dysplasia 10. Last evaluated: 2025-11-13. Review status: criteria provided, single submitter. Criteria: Invitae Variant Classification Sherloc (09022015). Collection method: clinical testing. Allele origin: germline.
Comment: This sequence change replaces cysteine, which is neutral and slightly polar, with tyrosine, which is neutral and polar, at codon 507 of the DSG2 protein (p.Cys507Tyr). This variant is present in population databases (rs121913009, gnomAD 0.01%). This missense change has been observed in individual(s) with arrhythmogenic right ventricular cardiomyopathy (PMID: 20031617, 20152563, 31737537, 38417843). ClinVar contains an entry for this variant (Variation ID: 16813). Invitae Evidence Modeling of protein sequence and biophysical properties (such as structural, functional, and spatial information, amino acid conservation, physicochemical variation, residue mobility, and thermodynamic stability) has been performed for this missense variant. However, the output from this modeling did not meet the statistical confidence thresholds required to predict the impact of this variant on DSG2 protein function. In summary, the available evidence is currently insufficient to determine the role of this variant in disease. Therefore, it has been classified as a Variant of Uncertain Significance.

Women's Health and Genetics/Laboratory Corporation of America, LabCorp
Classification: Uncertain significance. Last evaluated: 2025-02-03. Review status: criteria provided, single submitter. Criteria: LabCorp Variant Classification Summary - May 2015. Collection method: clinical testing. Allele origin: germline.
Comment: Variant summary: DSG2 c.1520G>A (p.Cys507Tyr), also known as p.Cys506Tyr, results in a non-conservative amino acid change located in the Cadherin-like domain (IPR015919) of the encoded protein sequence. Five of five in-silico tools predict a damaging effect of the variant on protein function. The variant allele was found at a frequency of 4e-06 in 249430 control chromosomes. The available data on variant occurrences in the general population are insufficient to allow any conclusion about variant significance. c.1520G>A has been reported in the literature in individuals affected with Arrhythmogenic Right Ventricular Dysplasia/Cardiomyopathy, without strong evidence of causality (example: Awad_2006, Xu_2010, Marschall_2019, Shen_2024). These report(s) do not provide unequivocal conclusions about association of the variant with Arrhythmogenic Right Ventricular Dysplasia/Cardiomyopathy. To our knowledge, no experimental evidence demonstrating an impact on protein function has been reported. The following publications have been ascertained in the context of this evaluation (PMID: 16773573, 31737537, 38417843, 20152563). ClinVar contains an entry for this variant (Variation ID: 16813). Based on the evidence outlined above, the variant was classified as uncertain significance.

All of Us Research Program, National Institutes of Health
Classification: Uncertain significance for Arrhythmogenic right ventricular cardiomyopathy. Last evaluated: 2024-05-30. Review status: criteria provided, single submitter. Criteria: ACMG Guidelines, 2015. Collection method: clinical testing. Allele origin: germline. Inheritance: Autosomal dominant inheritance. Observed: 5 variant alleles, 5 heterozygotes.
Comment: This missense variant replaces cysteine with tyrosine at codon 507 of the DSG2 protein. Computational prediction is inconclusive regarding the impact of this variant on protein structure and function (internally defined REVEL score threshold 0.5 < inconclusive < 0.7, PMID: 27666373). To our knowledge, functional studies have not been reported for this variant. This variant has been reported in at least four individuals affected with arrhythmogenic right ventricular cardiomyopathy (PMID: 20031617, 20152563, 20857253; Marschall et al, 2019). This variant has been identified in 2/280834 chromosomes in the general population by the Genome Aggregation Database (gnomAD). The available evidence is insufficient to determine the role of this variant in disease conclusively. Therefore, this variant is classified as a Variant of Uncertain Significance.

This study involves interpretation of variants in research participants for the purpose of population health screening. Participant phenotype was not available at the time of variant classification. Additional details can be found in publication PMID: 35346344, PMCID: PMC8962531

Color Diagnostics, LLC DBA Color Health
Classification: Uncertain significance for Cardiomyopathy. Last evaluated: 2024-05-13. Review status: criteria provided, single submitter. Criteria: ACMG Guidelines, 2015. Collection method: clinical testing. Allele origin: germline.
Comment: This missense variant replaces cysteine with tyrosine at codon 507 of the DSG2 protein. Computational prediction is inconclusive regarding the impact of this variant on protein structure and function (internally defined REVEL score threshold 0.5 < inconclusive < 0.7, PMID: 27666373). To our knowledge, functional studies have not been reported for this variant. This variant has been reported in at least four individuals affected with arrhythmogenic right ventricular cardiomyopathy (PMID: 16773573, 20152563, 23871885, 31737537). This variant has been identified in 2/280834 chromosomes in the general population by the Genome Aggregation Database (gnomAD). The available evidence is insufficient to determine the role of this variant in disease conclusively. Therefore, this variant is classified as a Variant of Uncertain Significance.

KardioGenetik, Herz- und Diabeteszentrum NRW
Classification: Uncertain significance for Arrhythmogenic right ventricular dysplasia 10. Last evaluated: 2024-03-14. Review status: criteria provided, single submitter. Criteria: ACMG Guidelines, 2015. Collection method: clinical testing. Allele origin: unknown. Affected: yes. Observed: 1 variant allele.

GeneDx
Classification: Uncertain significance. Last evaluated: 2023-08-07. Review status: criteria provided, single submitter. Criteria: GeneDx Variant Classification Process June 2021. Collection method: clinical testing. Allele origin: germline. Affected: yes.
Comment: Not observed at a significant frequency in large population cohorts (gnomAD); In silico analysis supports that this missense variant has a deleterious effect on protein structure/function; This variant is associated with the following publications: (PMID: 16773573, 20152563, 20857253, 20031617, 23671136, 23871885, 31737537, 31402444, 32665702)

Fulgent Genetics
Classification: Uncertain significance for Arrhythmogenic right ventricular dysplasia 10; Dilated cardiomyopathy 1BB. Last evaluated: 2022-04-08. Review status: criteria provided, single submitter. Criteria: ACMG Guidelines, 2015. Collection method: clinical testing. Allele origin: unknown.

OMIM
Classification: Pathogenic for ARRHYTHMOGENIC RIGHT VENTRICULAR DYSPLASIA, FAMILIAL, 10. Last evaluated: 2006-07-01. Review status: no assertion criteria provided. Collection method: literature only. Allele origin: germline. Not counted in ClinVar's aggregate classification.

Literature cited by the submitters: PubMed 16773573 (cited by 4 submitters); PubMed 20031617 (cited by 3 submitters); PubMed 20152563 (cited by 5 submitters); PubMed 20857253 (cited by Ambry Genetics and All of Us Research Program, National Institutes of Health); PubMed 23671136 (cited by Ambry Genetics and Women's Health and Genetics/Laboratory Corporation of America, LabCorp); PubMed 23871885 (cited by 3 submitters); PubMed 25820315 (cited by Ambry Genetics); PubMed 26850880 (cited by Ambry Genetics); PubMed 28471438 (cited by Ambry Genetics); PubMed 28588093 (cited by Ambry Genetics); PubMed 31737537 (cited by 4 submitters); PubMed 32665702 (cited by Ambry Genetics); PubMed 38417843 (cited by Labcorp Genetics (formerly Invitae), Labcorp and Women's Health and Genetics/Laboratory Corporation of America, LabCorp).

NM_001943.5(DSG2):c.1520G>A (p.Cys507Tyr)

Gene: DSG2 (desmoglein 2; plus strand). Cytogenetic location: 18q12.1.
Variant type: single nucleotide variant.
Coding change: c.1520G>A on transcript NM_001943.5 (MANE Select); coding-DNA position 1520, G replaced by A.
Protein change: p.Cys507Tyr; replaces cysteine 507 with tyrosine.
Molecular consequence: missense variant.
Genome position (GRCh38, 1-based): chr18:31,536,298, G>A. VCF-style: chr18-31536298-G-A. GRCh37 (hg19) VCF-style: chr18-29116261-G-A.
Other names: C506Y; c.1520G>A, p.Cys507Tyr (LRG_397t1); short protein forms C507Y.
Identifiers: ClinVar variation 16813 (VCV000016813.26), dbSNP rs121913009, ClinGen allele CA021434.